The following is an entry in ClinVar:

ClinVar aggregate classification (germline): Uncertain significance. Review status: criteria provided, multiple submitters, no conflicts (2 of 4 stars). 2 submissions from 2 submitters: Uncertain significance (2). Last evaluated 2024-01-20.

Conditions:
Cardiovascular phenotype. Identifiers: MedGen CN230736.

Allele frequency attached by ClinVar (database versions not stated): gnomAD exomes below 0.00001; gnomAD 0.00001; TOPMed 0.00001.
gnomAD v4.1: 6 of 1,614,008 alleles (0.00037%); highest among the groups gnomAD compares: African/African-American, 0.0013%; no homozygotes.

Submissions (2):

Ambry Genetics
Classification: Uncertain significance for Cardiovascular phenotype. Last evaluated: 2024-01-20. Review status: criteria provided, single submitter. Criteria: Ambry Variant Classification Scheme 2023. Collection method: clinical testing. Allele origin: germline.
Comment: The p.G319R variant (also known as c.955G>A), located in coding exon 7 of the TBX20 gene, results from a G to A substitution at nucleotide position 955. The glycine at codon 319 is replaced by arginine, an amino acid with dissimilar properties. This amino acid position is conserved. In addition, the in silico prediction for this alteration is inconclusive. Based on the available evidence, the clinical significance of this alteration remains unclear.

Labcorp Genetics (formerly Invitae), Labcorp
Classification: Uncertain significance. Last evaluated: 2021-05-19. Review status: criteria provided, single submitter. Criteria: Invitae Variant Classification Sherloc (09022015). Collection method: clinical testing. Allele origin: germline.
Comment: In summary, the available evidence is currently insufficient to determine the role of this variant in disease. Therefore, it has been classified as a Variant of Uncertain Significance. Algorithms developed to predict the effect of missense changes on protein structure and function are either unavailable or do not agree on the potential impact of this missense change (SIFT: "Deleterious"; PolyPhen-2: "Benign"; Align-GVGD: "Class C0"). This variant has not been reported in the literature in individuals with TBX20-related conditions. This variant is not present in population databases (ExAC no frequency). This sequence change replaces glycine with arginine at codon 319 of the TBX20 protein (p.Gly319Arg). The glycine residue is weakly conserved and there is a moderate physicochemical difference between glycine and arginine.

NM_001077653.2(TBX20):c.955G>A (p.Gly319Arg)

Gene: TBX20 (T-box transcription factor 20; minus strand). Cytogenetic location: 7p14.2.
Variant type: single nucleotide variant.
Coding change: c.955G>A on transcript NM_001077653.2 (MANE Select); coding-DNA position 955, G replaced by A.
Protein change: p.Gly319Arg; replaces glycine 319 with arginine.
Molecular consequence: missense variant.
Genome position (GRCh38, 1-based): chr7:35,204,518, C>T on the plus strand (G>A on the coding strand, the complement: TBX20 is on the minus strand). VCF-style: chr7-35204518-C-T. GRCh37 (hg19) VCF-style: chr7-35244130-C-T.
Other names: short protein forms G319R.
Identifiers: ClinVar variation 1449663 (VCV001449663.9), dbSNP rs1307889134, ClinGen allele CA367263540.
Genomic context (GRCh38, chr7:35,204,518, plus strand): 5'-AAACTACCTTACCTCGATTTGGGGTTGTCTGACTCTCATCCCCCAAGACATCTTCTTCTC[C>T]TCCGTAGGTACGGATGGGTGAGCGTGCATAGGAATGCTTTTGAATCAGGCTCTCCACACT-3'
Protein context (NP_001071121.1, residues 309-329): YARSPIRTYG[Gly319Arg]EEDVLGDESQ